The following is an entry in ClinVar:

NM_001267550.2(TTN):c.22571_22572del (p.Ile7524fs)

Gene: TTN (titin; minus strand). Cytogenetic location: 2q31.2.
Variant type: Microsatellite.
Coding change: c.22571_22572del on transcript NM_001267550.2 (MANE Select); coding-DNA positions 22571 to 22572, 2 bases deleted (TA; older notation c.22571_22572delTA).
Protein change: p.Ile7524fs; shifts the reading frame from isoleucine 7524.
Molecular consequence: frameshift variant. On other transcripts: intron variant (3).
Genome position (GRCh38, 1-based): chr2:178,722,091-178,722,092, TA deleted on the plus strand (TA on the coding strand, the reverse complement: TTN is on the minus strand); deleting any 2 consecutive bases within chr2:178,722,091-178,722,094 gives the same sequence; the c. name uses the placement nearest the transcript's 3' end. VCF-style (leftmost placement, unchanged base first): chr2-178722090-CTA-C. GRCh37 (hg19) VCF-style: chr2-179586817-CTA-C.
Other names: c.21620_21621delTA (NM_001256850.1); c.21620_21621del, p.Ile7207fs (NM_001256850.1); c.18839_18840del, p.Ile6280fs (NM_133378.4); c.13282+15990_13282+15991del (NM_003319.4); c.13858+15990_13858+15991del (NM_133437.4); c.13657+15990_13657+15991del (NM_133432.3); short protein forms I7207fs, I7524fs, I6280fs.
Identifiers: ClinVar variation 546479 (VCV000546479.2), dbSNP rs1553909995, ClinGen allele CA658822573.

ClinVar aggregate classification (germline): Likely pathogenic (1 of 4 stars; one submission).

Submission:

GeneDx
Classification: Likely pathogenic. Last evaluated: 2018-05-18. Review status: criteria provided, single submitter. Criteria: GeneDx Variant Classification (06012015). Collection method: clinical testing. Allele origin: germline. Affected: yes.
Comment: The c.21620_21621delTA variant in the TTN gene has not been reported previously as a pathogenic variant nor as a benign variant, to our knowledge. The c.21620_21621delTA variant causes a frameshift starting with codon Isoleucine 7207, changes this amino acid to an Arginine residue, and creates a premature Stop codon at position 9 of the new reading frame, denoted p.Ile7207ArgfsX9. This variant is predicted to cause loss of normal protein function either through protein truncation or nonsense-mediated mRNA decay. The c.21620_21621delTA variant is not observed in large population cohorts (Lek et al., 2016). We interpret c.21620_21621delTA as a likely pathogenic variant.